The following is an entry in ClinVar:

NM_003743.5(NCOA1):c.2013T>C (p.Ser671=)

Gene: NCOA1 (nuclear receptor coactivator 1; plus strand). Cytogenetic location: 2p23.3.
Variant type: single nucleotide variant.
Coding change: c.2013T>C on transcript NM_003743.5 (MANE Select); coding-DNA position 2013, T replaced by C.
Protein change: p.Ser671=; no amino-acid change (serine 671 retained).
Molecular consequence: synonymous variant.
Genome position (GRCh38, 1-based): chr2:24,707,483, T>C. VCF-style: chr2-24707483-T-C. GRCh37 (hg19) VCF-style: chr2-24930352-T-C.
Other names: c.2013T>C, p.Ser671= (NM_001362950.1, NM_001362952.1, NM_001362954.1 and 3 more transcripts).
Identifiers: ClinVar variation 4982076 (VCV004982076.1).

ClinVar aggregate classification (germline): Likely benign (1 of 4 stars; one submission).

Conditions:
NCOA1-related disorder. Also called: NCOA1-related condition.

gnomAD v4.1: 4 of 1,614,198 alleles (0.00025%); highest among the groups gnomAD compares: Non-Finnish European, 0.00034%; no homozygotes.

Submission:

PreventionGenetics, part of Exact Sciences
Classification: Likely benign for NCOA1-related condition. Last evaluated: 2025-03-07. Review status: criteria provided, single submitter. Criteria: ACMG Guidelines, 2015. Collection method: clinical testing. Allele origin: germline.
Comment: This variant is classified as likely benign based on ACMG/AMP sequence variant interpretation guidelines (Richards et al. 2015 PMID: 25741868, with internal and published modifications).